The following is an entry in ClinVar:

ClinVar aggregate classification (germline): Likely pathogenic (1 of 4 stars; one submission).

Conditions:
Gaucher disease. Also called: Acute cerebral Gaucher disease; Cerebroside lipidosis syndrome; Gaucher splenomegaly; Sphingolipidosis 1; Glucocerebrosidosis; Glucosylceramidase deficiency. Identifiers: Orphanet 355, MedGen C0017205, MONDO:0018150.

gnomAD v4.1: 3 of 1,614,164 alleles (0.00019%); highest among the groups gnomAD compares: Non-Finnish European, 0.00025%; no homozygotes.

Submission:

Natera, Inc.
Classification: Likely pathogenic for Gaucher disease. Last evaluated: 2025-05-25. Review status: criteria provided, single submitter. Criteria: Natera Variant Classification Schema (03/2026). Collection method: clinical testing. Allele origin: germline.
Comment: The c.1321A>T variant in GBA1 is a missense variant predicted to cause substitution of isoleucine to phenylalanine at amino acid 441. This variant is rare in the general population with a frequency below the threshold expected for the associated phenotype(s). This variant has been observed in one or more individuals affected with the associated recessive disease, as either homozygous or compound heterozygous with a second variant (PMID: 11903352). A different variant at the same position has been determined to be Pathogenic or Likely Pathogenic. Computational prediction algorithms indicate this variant is likely to affect gene or protein function. Given the available evidence, this variant is classified as Likely Pathogenic.

Literature cited by the submitters: PubMed 11903352.

NM_000157.4(GBA1):c.1321A>T (p.Ile441Phe)

Genes: GBA1 (glucosylceramidase beta 1; minus strand), LOC106627981 (GBA recombination region; plus strand). Cytogenetic location: 1q22.
Variant type: single nucleotide variant.
Coding change: c.1321A>T on transcript NM_000157.4 (MANE Select); coding-DNA position 1321, A replaced by T.
Protein change: p.Ile441Phe; replaces isoleucine 441 with phenylalanine.
Molecular consequence: missense variant.
Genome position (GRCh38, 1-based): chr1:155,235,748, T>A on the plus strand (A>T on the coding strand, the complement: GBA1 is on the minus strand). VCF-style: chr1-155235748-T-A. GRCh37 (hg19) VCF-style: chr1-155205539-T-A.
Other names: c.1321A>T, p.Ile441Phe (NM_001005741.3, NM_001005742.3); c.1060A>T, p.Ile354Phe (NM_001171811.2); c.1174A>T, p.Ile392Phe (NM_001171812.2); short protein forms I354F, I392F, I441F.
Identifiers: ClinVar variation 4817712 (VCV004817712.1).